The following is an entry in ClinVar:

ClinVar aggregate classification (germline): Uncertain significance (1 of 4 stars; one submission).

Conditions:
Catecholaminergic polymorphic ventricular tachycardia (CVPT). Also called: Catecholamine-induced polymorphic ventricular tachycardia. Identifiers: Orphanet 3286, MedGen C5574922, MONDO:0017990.

Allele frequency attached by ClinVar (database versions not stated): gnomAD exomes below 0.00001.
gnomAD v4.1: 1 of 1,611,414 alleles (0.000062%); highest among the groups gnomAD compares: Non-Finnish European, 0.000085%; no homozygotes.

Submission:

All of Us Research Program, National Institutes of Health
Classification: Uncertain significance for Catecholaminergic polymorphic ventricular tachycardia. Last evaluated: 2023-02-24. Review status: criteria provided, single submitter. Criteria: ACMG Guidelines, 2015. Collection method: clinical testing. Allele origin: germline. Inheritance: Autosomal dominant inheritance. Observed: 1 variant allele, 1 heterozygote.
Comment: This missense variant replaces proline with leucine at codon 3388 of the RYR2 protein. Computational prediction is inconclusive regarding the impact of this variant on protein structure and function (internally defined REVEL score threshold 0.5 < inconclusive < 0.7, PMID: 27666373). To our knowledge, functional studies have not been reported for this variant. This variant has not been reported in individuals affected with RYR2-related disorders in the literature. This variant has not been identified in the general population by the Genome Aggregation Database (gnomAD). The available evidence is insufficient to determine the role of this variant in disease conclusively. Therefore, this variant is classified as a Variant of Uncertain Significance.

This study involves interpretation of variants in research participants for the purpose of population health screening. Participant phenotype was not available at the time of variant classification. Additional details can be found in publication PMID: 35346344, PMCID: PMC8962531

NM_001035.3(RYR2):c.10163C>T (p.Pro3388Leu)

Gene: RYR2 (ryanodine receptor 2; plus strand). Cytogenetic location: 1q43.
Variant type: single nucleotide variant.
Coding change: c.10163C>T on transcript NM_001035.3 (MANE Select); coding-DNA position 10163, C replaced by T.
Protein change: p.Pro3388Leu; replaces proline 3388 with leucine.
Molecular consequence: missense variant.
Genome position (GRCh38, 1-based): chr1:237,709,500, C>T. VCF-style: chr1-237709500-C-T. GRCh37 (hg19) VCF-style: chr1-237872800-C-T.
Other names: short protein forms P3388L.
Identifiers: ClinVar variation 3069684 (VCV003069684.1), dbSNP rs2547416206, ClinGen allele CA345411618.